The following is an entry in ClinVar:

ClinVar aggregate classification (germline): Likely benign. Review status: criteria provided, single submitter (1 of 4 stars). 2 submissions from 2 submitters: Likely benign (1). 1 of the submissions does not count toward it. Last evaluated 2023-03-27.

Conditions:
KRT1-related disorder. Also called: KRT1-related condition.

Allele frequency attached by ClinVar (database versions not stated): ESP Exome Variant Server 0.00031; gnomAD 0.00014 and 0.00016; ExAC 0.00009; TOPMed 0.00014; gnomAD exomes 0.00007 and 0.00020.
gnomAD v4.1: 319 of 1,614,104 alleles (0.02%); highest among the groups gnomAD compares: Non-Finnish European, 0.024%; no homozygotes.

Submissions (2):

Labcorp Genetics (formerly Invitae), Labcorp
Classification: Likely benign. Last evaluated: 2023-03-27. Review status: criteria provided, single submitter. Criteria: Invitae Variant Classification Sherloc (09022015). Collection method: clinical testing. Allele origin: germline.

PreventionGenetics, part of Exact Sciences
Classification: Likely benign for KRT1-related condition. Last evaluated: 2024-08-08. Review status: no assertion criteria provided. Collection method: clinical testing. Allele origin: germline. Not counted in ClinVar's aggregate classification.
Comment: This variant is classified as likely benign based on ACMG/AMP sequence variant interpretation guidelines (Richards et al. 2015 PMID: 25741868, with internal and published modifications).

NM_006121.4(KRT1):c.63T>A (p.Ser21=)

Gene: KRT1 (keratin 1; minus strand). Cytogenetic location: 12q13.13.
Variant type: single nucleotide variant.
Coding change: c.63T>A on transcript NM_006121.4 (MANE Select); coding-DNA position 63, T replaced by A.
Protein change: p.Ser21=; no amino-acid change (serine 21 retained).
Molecular consequence: synonymous variant.
Genome position (GRCh38, 1-based): chr12:52,680,286, A>T on the plus strand (T>A on the coding strand, the complement: KRT1 is on the minus strand). VCF-style: chr12-52680286-A-T. GRCh37 (hg19) VCF-style: chr12-53074070-A-T.
Identifiers: ClinVar variation 733357 (VCV000733357.7), dbSNP rs142164771, ClinGen allele CA6586514.